The following is an entry in ClinVar:

ClinVar aggregate classification (germline): Conflicting classifications of pathogenicity. Review status: criteria provided, conflicting classifications (1 of 4 stars). 3 submissions from 3 submitters: Uncertain significance (1); Likely benign (2). Last evaluated 2025-11-12.

Conditions:
Mitochondrial complex II deficiency, nuclear type 1. Also called: SUCCINATE CoQ REDUCTASE DEFICIENCY. Identifiers: Orphanet 3208, MedGen C5700310, MONDO:0100294, OMIM 252011.
Pheochromocytoma/paraganglioma syndrome 5. Also called: Paragangliomas 5; SDHA-Related Hereditary Paraganglioma-Pheochromocytoma Syndrome. Identifiers: Orphanet 29072, MedGen C3279992, MONDO:0013602, OMIM 614165.

Allele frequency attached by ClinVar (database versions not stated): gnomAD exomes below 0.00001.
gnomAD v4.1: 2 of 1,610,040 alleles (0.00012%); highest among the groups gnomAD compares: Non-Finnish European, 0.00017%; no homozygotes.

Submissions (3):

Labcorp Genetics (formerly Invitae), Labcorp
Classification: Likely benign for Pheochromocytoma/paraganglioma syndrome 5; Mitochondrial complex II deficiency, nuclear type 1. Last evaluated: 2025-11-12. Review status: criteria provided, single submitter. Criteria: Invitae Variant Classification Sherloc (09022015). Collection method: clinical testing. Allele origin: germline.

Myriad Genetics, Inc.
Classification: Likely benign for Pheochromocytoma/paraganglioma syndrome 5. Last evaluated: 2025-03-11. Review status: criteria provided, single submitter. Criteria: Myriad Autosomal Dominant, Autosomal Recessive and X-Linked Classification Criteria (2023). Collection method: clinical testing. Allele origin: unknown.
Comment: This variant is considered likely benign. This variant is intronic and is not expected to impact mRNA splicing.

CeGaT Center for Human Genetics Tuebingen
Classification: Uncertain significance. Last evaluated: 2022-03-01. Review status: criteria provided, single submitter. Criteria: CeGaT Center For Human Genetics Tuebingen Variant Classification Criteria Version 2. Collection method: clinical testing. Allele origin: germline. Affected: yes. Observed: 1 variant allele.
Comment: SDHA: PM2, BP4

NM_004168.4(SDHA):c.1663+7A>G

Gene: SDHA (succinate dehydrogenase complex flavoprotein subunit A; plus strand). Cytogenetic location: 5p15.33.
Variant type: single nucleotide variant.
Coding change: c.1663+7A>G on transcript NM_004168.4 (MANE Select); 7 bases into the intron after coding-DNA position 1663, A replaced by G.
Molecular consequence: intron variant.
Genome position (GRCh38, 1-based): chr5:251,110, A>G. VCF-style: chr5-251110-A-G. GRCh37 (hg19) VCF-style: chr5-251225-A-G.
Other names: c.1552-3283A>G (NM_001330758.2); c.1519+7A>G (NM_001294332.2).
Identifiers: ClinVar variation 794818 (VCV000794818.35), dbSNP rs1579438260, ClinGen allele CA915943274.